The following is an entry in ClinVar:

NM_182746.3(MCM4):c.*819C>A

Gene: MCM4 (minichromosome maintenance complex component 4; plus strand). Cytogenetic location: 8q11.21.
Variant type: single nucleotide variant.
Coding change: c.*819C>A on transcript NM_182746.3 (MANE Select); 819 bases downstream of the stop codon, C replaced by A.
Molecular consequence: 3 prime UTR variant.
Genome position (GRCh38, 1-based): chr8:47,977,597, C>A. VCF-style: chr8-47977597-C-A. GRCh37 (hg19) VCF-style: chr8-48890157-C-A.
Other names: c.*819C>A (NM_005914.4).
Identifiers: ClinVar variation 910827 (VCV000910827.4), dbSNP rs17287775, ClinGen allele CA12879125.

ClinVar aggregate classification (germline): Benign (1 of 4 stars; one submission).

Conditions:
Primary immunodeficiency with natural-killer cell deficiency and adrenal insufficiency (IMD54). Also called: Natural killer cell and glucocorticoid deficiency with DNA repair defect; IMMUNODEFICIENCY 54. Identifiers: Orphanet 75391, MedGen C1864947, MONDO:0012383, OMIM 609981.

Allele frequency attached by ClinVar (database versions not stated): gnomAD 0.00328 and 0.00393; TOPMed 0.00357; 1000 Genomes Project 30x 0.00781; 1000 Genomes Project 0.00859.

Submission:

Illumina Laboratory Services, Illumina
Classification: Benign for Primary immunodeficiency with natural-killer cell deficiency and adrenal insufficiency. Last evaluated: 2018-01-13. Review status: criteria provided, single submitter. Criteria: ICSL Variant Classification Criteria 13 December 2019. Collection method: clinical testing. Allele origin: germline.
Comment: This variant was observed in the ICSL laboratory as part of a predisposition screen in an ostensibly healthy population. It had not been previously curated by ICSL or reported in the Human Gene Mutation Database (HGMD: prior to June 1st, 2018), and was therefore a candidate for classification through an automated scoring system. Utilizing variant allele frequency, disease prevalence and penetrance estimates, and inheritance mode, an automated score was calculated to assess if this variant is too frequent to cause the disease. Based on the score and internal cut-off values, a variant classified as benign is not then subjected to further curation. The score for this variant resulted in a classification of benign for this disease.